The following is an entry in ClinVar:

NM_003773.5(HYAL2):c.1066G>A (p.Val356Ile)

Gene: HYAL2 (hyaluronidase 2; minus strand). Cytogenetic location: 3p21.31.
Variant type: single nucleotide variant.
Coding change: c.1066G>A on transcript NM_003773.5 (MANE Select); coding-DNA position 1066, G replaced by A.
Protein change: p.Val356Ile; replaces valine 356 with isoleucine.
Molecular consequence: missense variant.
Genome position (GRCh38, 1-based): chr3:50,318,485, C>T on the plus strand (G>A on the coding strand, the complement: HYAL2 is on the minus strand). VCF-style: chr3-50318485-C-T. GRCh37 (hg19) VCF-style: chr3-50355916-C-T.
Other names: c.1066G>A, p.Val356Ile (NM_033158.5); short protein forms V356I.
Identifiers: ClinVar variation 2571180 (VCV002571180.27), dbSNP rs928182995, ClinGen allele CA74611763.

ClinVar aggregate classification (germline): Uncertain significance (1 of 4 stars; one submission).

Allele frequency attached by ClinVar (database versions not stated): TOPMed below 0.00001.
gnomAD v4.1: 2 of 1,612,542 alleles (0.00012%); highest among the groups gnomAD compares: African/African-American, 0.0013%; no homozygotes.

Submission:

CeGaT Center for Human Genetics Tuebingen
Classification: Uncertain significance. Last evaluated: 2023-06-01. Review status: criteria provided, single submitter. Criteria: CeGaT Center For Human Genetics Tuebingen Variant Classification Criteria Version 2. Collection method: clinical testing. Allele origin: germline. Affected: yes. Observed: 1 variant allele.
Comment: HYAL2: PM2, BP4